The following is an entry in ClinVar:

NM_001365999.1(SZT2):c.9073-3C>T

Gene: SZT2 (SZT2 subunit of KICSTOR complex; plus strand). Cytogenetic location: 1p34.2.
Variant type: single nucleotide variant.
Coding change: c.9073-3C>T on transcript NM_001365999.1 (MANE Select); 3 bases into the intron before coding-DNA position 9073, C replaced by T.
Molecular consequence: intron variant.
Genome position (GRCh38, 1-based): chr1:43,446,952, C>T. VCF-style: chr1-43446952-C-T. GRCh37 (hg19) VCF-style: chr1-43912623-C-T.
Other names: c.8902-3C>T (NM_015284.4).
Identifiers: ClinVar variation 861242 (VCV000861242.9), dbSNP rs1193026027, ClinGen allele CA735993607.

ClinVar aggregate classification (germline): Uncertain significance (1 of 4 stars; one submission).

Allele frequency attached by ClinVar (database versions not stated): gnomAD exomes 0.00001; TOPMed 0.00001.
gnomAD v4.1: 7 of 1,606,886 alleles (0.00044%); highest among the groups gnomAD compares: Non-Finnish European, 0.0006%; no homozygotes.

Submission:

Labcorp Genetics (formerly Invitae), Labcorp
Classification: Uncertain significance. Last evaluated: 2021-05-01. Review status: criteria provided, single submitter. Criteria: Invitae Variant Classification Sherloc (09022015). Collection method: clinical testing. Allele origin: germline.
Comment: Nucleotide substitutions within the consensus splice site are a relatively common cause of aberrant splicing (PMID: 17576681, 9536098). Algorithms developed to predict the effect of sequence changes on RNA splicing suggest that this variant is not likely to affect RNA splicing, but this prediction has not been confirmed by published transcriptional studies. In summary, the available evidence is currently insufficient to determine the role of this variant in disease. Therefore, it has been classified as a Variant of Uncertain Significance. This variant has not been reported in the literature in individuals with SZT2-related conditions. This variant is not present in population databases (ExAC no frequency). This sequence change falls in intron 64 of the SZT2 gene. It does not directly change the encoded amino acid sequence of the SZT2 protein, but it affects a nucleotide within the consensus splice site of the intron.

Literature cited by the submitters: PubMed 17576681; PubMed 9536098.